The following is an entry in ClinVar:

NM_173653.4(SLC9A9):c.723G>A (p.Val241=)

Gene: SLC9A9 (solute carrier family 9 member A9; minus strand). Cytogenetic location: 3q24.
Variant type: single nucleotide variant.
Coding change: c.723G>A on transcript NM_173653.4 (MANE Select); coding-DNA position 723, G replaced by A.
Protein change: p.Val241=; no amino-acid change (valine 241 retained).
Molecular consequence: synonymous variant.
Genome position (GRCh38, 1-based): chr3:143,652,287, C>T on the plus strand (G>A on the coding strand, the complement: SLC9A9 is on the minus strand). VCF-style: chr3-143652287-C-T. GRCh37 (hg19) VCF-style: chr3-143371129-C-T.
Other names: c.723G>A (NM_173653.3).
Identifiers: ClinVar variation 2578951 (VCV002578951.26), dbSNP rs143553548, ClinGen allele CA2654092.

ClinVar aggregate classification (germline): Likely benign. Review status: criteria provided, single submitter (1 of 4 stars). 2 submissions from 2 submitters: Likely benign (1). 1 of the submissions does not count toward it. Last evaluated 2025-04-01.

Conditions:
SLC9A9-related disorder. Also called: SLC9A9-related condition.

Allele frequency attached by ClinVar (database versions not stated): ESP Exome Variant Server 0.00015; 1000 Genomes Project 30x 0.00016; 1000 Genomes Project 0.00020; ExAC 0.00020; TOPMed 0.00023; gnomAD 0.00027; gnomAD exomes 0.00032.
gnomAD v4.1: 498 of 1,613,348 alleles (0.031%); highest among the groups gnomAD compares: Non-Finnish European, 0.04%; no homozygotes.

Submissions (2):

CeGaT Center for Human Genetics Tuebingen
Classification: Likely benign. Last evaluated: 2025-04-01. Review status: criteria provided, single submitter. Criteria: CeGaT Center For Human Genetics Tuebingen Variant Classification Criteria Version 2. Collection method: clinical testing. Allele origin: germline. Affected: yes. Observed: 4 variant alleles.
Comment: SLC9A9: BP4, BP7

PreventionGenetics, part of Exact Sciences
Classification: Likely benign for SLC9A9-related condition. Last evaluated: 2019-03-28. Review status: no assertion criteria provided. Collection method: clinical testing. Allele origin: germline. Not counted in ClinVar's aggregate classification.
Comment: This variant is classified as likely benign based on ACMG/AMP sequence variant interpretation guidelines (Richards et al. 2015 PMID: 25741868, with internal and published modifications).